The following is an entry in ClinVar:

NM_198503.5(KCNT2):c.442G>C (p.Val148Leu)

Gene: KCNT2 (potassium sodium-activated channel subfamily T member 2; minus strand). Cytogenetic location: 1q31.3.
Variant type: single nucleotide variant.
Coding change: c.442G>C on transcript NM_198503.5 (MANE Select); coding-DNA position 442, G replaced by C.
Protein change: p.Val148Leu; replaces valine 148 with leucine.
Molecular consequence: missense variant. On other transcripts: non-coding transcript variant (2).
Genome position (GRCh38, 1-based): chr1:196,469,011, C>G on the plus strand (G>C on the coding strand, the complement: KCNT2 is on the minus strand). VCF-style: chr1-196469011-C-G. GRCh37 (hg19) VCF-style: chr1-196438141-C-G.
Other names: c.442G>C, p.Val148Leu (NM_001287819.3, NM_001287820.3); short protein forms V148L.
Identifiers: ClinVar variation 1706981 (VCV001706981.2), dbSNP rs2527113456, ClinGen allele CA344082296.
Genomic context (GRCh38, chr1:196,469,011, plus strand): 5'-TCTAATTACAAAAGTGTTTTTTTAAGGTTCTTTTAGGACTTACTGAGATAATGAAGGGAA[C>G]TGCATTAATTATTTCCAAGATGAAGGGTATTCGTAAAATCTGTTCCCAGATGTTTCCCTT-3'
Protein context (NP_940905.2, residues 138-158): IPFILEIINA[Val148Leu]PFIISIFWPS

ClinVar aggregate classification (germline): Uncertain significance (1 of 4 stars; one submission).

Submission:

GeneDx
Classification: Uncertain significance. Last evaluated: 2022-03-24. Review status: criteria provided, single submitter. Criteria: GeneDx Variant Classification Process June 2021. Collection method: clinical testing. Allele origin: germline. Affected: yes.
Comment: Not observed at significant frequency in large population cohorts (gnomAD); In silico analysis supports that this missense variant does not alter protein structure/function; Has not been previously published as pathogenic or benign to our knowledge